The following continues an entry in ClinVar:

NM_000492.4(CFTR):c.2657+5G>A

Gene: CFTR. ClinVar aggregate classification (germline): Pathogenic. Pathogenic (1).

Submissions 14 to 29 of 39:

ARUP Laboratories, Molecular Genetics and Genomics, ARUP Laboratories
Classification: Pathogenic for Cystic fibrosis. Last evaluated: 2024-04-04. Review status: criteria provided, single submitter. Criteria: ARUP Molecular Germline Variant Investigation Process 2024. Collection method: clinical testing. Allele origin: germline. Not counted in ClinVar's aggregate classification.
Comment: The CFTR c.2657+5G>A variant (rs80224560), also known as 2789+5G>A, is reported in the medical literature in multiple individuals with cystic fibrosis (CF), with about half of those individuals diagnosed with the pancreatic sufficient form of CF (Sosnay 2013). This variant is reported in ClinVar (Variation ID: 38497), and is found in the general population with an overall allele frequency of 0.007% (20/282870 alleles) in the Genome Aggregation Database. Computational analyses (Alamut v.2.11) predict that this variant alters splicing, and functional studies reveal that the variant leads to the production of an aberrant transcript, while reducing full-length transcripts to 4% of normal levels (Highsmith 1997). Based on available information, this variant is considered to be pathogenic. References: Highsmith WE Jr et al. Identification of a splice site mutation (2789 +5 G > A) associated with small amounts of normal CFTR mRNA and mild cystic fibrosis. Hum Mutat. 1997; 9(4):332-8. PMID: 9101293. Sosnay PR et al. Defining the disease liability of variants in the cystic fibrosis transmembrane conductance regulator gene. Nat Genet. 2013; 45(10):1160-7. PMID: 23974870.

Revvity Omics, Revvity
Classification: Pathogenic. Last evaluated: 2024-03-28. Review status: criteria provided, single submitter. Criteria: ACMG Guidelines, 2015. Collection method: clinical testing. Allele origin: germline. Not counted in ClinVar's aggregate classification.

Baylor Genetics
Classification: Pathogenic for Bronchiectasis with or without elevated sweat chloride 1. Last evaluated: 2024-03-26. Review status: criteria provided, single submitter. Criteria: ACMG Guidelines, 2015. Collection method: clinical testing. Allele origin: unknown. Not counted in ClinVar's aggregate classification.

Genomic Medicine Center of Excellence, King Faisal Specialist Hospital and Research Centre
Classification: Pathogenic for Cystic fibrosis. Last evaluated: 2024-03-14. Review status: criteria provided, single submitter. Criteria: ACMG Guidelines, 2015. Collection method: research. Allele origin: germline. Not counted in ClinVar's aggregate classification.

Institute of Human Genetics Munich, TUM University Hospital
Classification: Pathogenic for Cystic fibrosis. Last evaluated: 2023-10-26. Review status: criteria provided, single submitter. Criteria: Classification criteria August 2017. Collection method: clinical testing. Allele origin: inherited. Inheritance: Autosomal recessive inheritance. Affected: yes. Observed: 2 variant alleles. Not counted in ClinVar's aggregate classification.

Quest Diagnostics Nichols Institute San Juan Capistrano
Classification: Pathogenic. Last evaluated: 2023-07-14. Review status: criteria provided, single submitter. Criteria: Quest Diagnostics criteria. Collection method: clinical testing. Allele origin: unknown. Not counted in ClinVar's aggregate classification.
Comment: The CFTR c.2657+5G>A variant has been reported in the published literature in the homozygous state or compound heterozygous state with other CF variants in individuals with CF and CF-related disorders (PMIDs: 12767731 (2003), 15371902 (2004), 15738290 (2005), 17347447 (2007), 22658665 (2012), 24440181 (2014), 24129438 (2014), 25122143 (2015)). Functional studies have described this variant as a Class V variant, causing aberrant splicing, exon 16 skipping, and partial loss of the CFTR protein (PMIDs: 9101293 (1997), 24129438 (2014), 25066652 (2014)). The frequency of this variant in the general population, 0.00078 (9/11610 chromosomes (Genome Aggregation Database)), is consistent with pathogenicity. Analysis of this variant using software algorithms for the prediction of the effect of nucleotide changes on splicing yielded predictions that this variant may affect proper CFTR mRNA splicing. Based on the available information, this variant is classified as pathogenic.

Mayo Clinic Laboratories, Mayo Clinic
Classification: Pathogenic. Last evaluated: 2023-02-16. Review status: criteria provided, single submitter. Criteria: ACMG Guidelines, 2015. Collection method: clinical testing. Allele origin: germline. Observed: 7 variant alleles. Not counted in ClinVar's aggregate classification.

Clinical Genetics Laboratory, Skane University Hospital Lund
Classification: Pathogenic. Last evaluated: 2022-05-27. Review status: criteria provided, single submitter. Criteria: ACMG Guidelines, 2015. Collection method: clinical testing. Allele origin: germline. Affected: yes. Not counted in ClinVar's aggregate classification.

Sema4
Classification: Pathogenic for Hereditary pancreatitis. Last evaluated: 2021-04-06. Review status: criteria provided, single submitter. Criteria: Sema4 Curation Guidelines. Collection method: curation. Allele origin: germline. Not counted in ClinVar's aggregate classification.
Comment: The CFTR c.2657+5G>A variant has been reported as homozygous and compound heterozygous in numerous individuals with cystic fibrosis (PMID: 9101293, 15738290, 23974870, 31130284, among others). Functional studies have shown that this variant alters the normal splicing of the gene, leading to skipping of exon 16 (PMID: 24129438). It is also known as 2789+5G>A in the literature. This variant is a well-established pathogenic variant associated with cystic fibrosis and CF-related disorders (PMID: 23974870 ). This variant was observed in 19/129182 chromosomes in the European (non-Finnish) population, with no homozygotes, according to the Genome Aggregation Database (PMID: 32461654). This variant has been reported in ClinVar (Variation ID: 38497). Based on the current evidence available, this variant is interpreted as pathogenic.

Victorian Clinical Genetics Services, Murdoch Childrens Research Institute
Classification: Pathogenic for Cystic fibrosis. Last evaluated: 2020-07-22. Review status: criteria provided, single submitter. Criteria: ACMG Guidelines, 2015. Collection method: clinical testing. Allele origin: maternal. Affected: no. Not counted in ClinVar's aggregate classification.
Comment: 0102 - Loss of function is a known mechanism of disease in this gene and is associated with cystic fibrosis (MIM#219700). (I) 0106 - This gene is associated with autosomal recessive disease. (I) 0210 - Splice site variant proven to affect splicing of the transcript with a known effect on protein sequence. Mini gene assays and ex vivo studies demonstrated that the variant results in the skipping of exon 16 (PMID: 24129438). (SP) 0251 - This variant is heterozygous. (I) 0304 - Variant is present in gnomAD (v2) <0.01 for a recessive condition (20 heterozygotes, 0 homozygotes). (SP) 0801 - This variant has very strong previous evidence of pathogenicity in unrelated individuals. The variant has been widely reported as pathogenic in autosomal recessive cystic fibrosis (MIM#219700). It is considered to be a class V variant, resulting in partially impaired protein function and is associated with a milder phenotype (ClinVar, PMID: 24129438). (I) Legend: (SP) - Supporting pathogenic, (I) - Information, (SB) - Supporting benign

Johns Hopkins Genomics, Johns Hopkins University
Classification: Pathogenic for Cystic fibrosis. Last evaluated: 2020-02-19. Review status: criteria provided, single submitter. Criteria: ACMG Guidelines, 2015. Collection method: clinical testing. Allele origin: germline. Not counted in ClinVar's aggregate classification.
Comment: Disease-causing CFTR variant. See CFTR2 for phenotype information.

Myriad Genetics, Inc.
Classification: Pathogenic for Cystic fibrosis. Last evaluated: 2019-11-12. Review status: criteria provided, single submitter. Criteria: Myriad Women's Health Autosomal Recessive and X-Linked Classification Criteria (2019). Collection method: clinical testing. Allele origin: unknown. Not counted in ClinVar's aggregate classification.
Comment: NM_000492.3(CFTR):c.2657+5G>A(aka 2789+5G>A) is classified as pathogenic in the context of cystic fibrosis and is associated with a non-classic form of disease. Sources cited for classification include the following: PMID: 23974870. Classification of NM_000492.3(CFTR):c.2657+5G>A(aka 2789+5G>A) is based on the following criteria: This is a well-established pathogenic variant in the literature that has been observed more frequently in patients with clinical diagnoses than in healthy populations. Please note: this variant was assessed in the context of healthy population screening.

Baylor Genetics
Classification: Pathogenic for Cystic fibrosis. Last evaluated: 2019-05-08. Review status: criteria provided, single submitter. Criteria: ACMG Guidelines, 2015. Collection method: clinical testing. Allele origin: unknown. Affected: yes. Not counted in ClinVar's aggregate classification.
Comment: This variant was determined to be pathogenic according to ACMG Guidelines, 2015 [PMID:25741868].

Equipe Genetique des Anomalies du Developpement, Université de Bourgogne
Classification: Pathogenic for Cystic fibrosis. Last evaluated: 2018-11-21. Review status: criteria provided, single submitter. Criteria: ACMG Guidelines, 2015. Collection method: clinical testing. Allele origin: unknown. Not counted in ClinVar's aggregate classification.

Mendelics
Classification: Pathogenic for Cystic fibrosis. Last evaluated: 2018-11-05. Review status: criteria provided, single submitter. Criteria: Mendelics Assertion Criteria 2017. Collection method: clinical testing. Allele origin: unknown. Affected: yes. Not counted in ClinVar's aggregate classification.

Laboratory for Molecular Medicine, Mass General Brigham Personalized Medicine
Classification: Pathogenic for Cystic fibrosis. Last evaluated: 2018-03-07. Review status: criteria provided, single submitter. Criteria: LMM Criteria. Collection method: clinical testing. Allele origin: germline. Inheritance: Autosomal recessive inheritance. Observed: 1 variant allele. Not counted in ClinVar's aggregate classification.
Comment: The c.2657+5G>A variant in CFTR represents 0.3-0.48% of alleles identified in in dividuals with cystic fibrosis (McKone 2003, Watson 2004, Boeck 2014). RNA studi es have shown that the c.2657+5G>A causes aberrant splicing, resulting in the sk ipping of exons 15 and 16 and leading to a significantly decreased expression of CFTR (Masvidal 2014, Sharma 2014). Accordingly, this variant is considered as a class V variant, leading to reduced amounts of functioning CFTR protein. It has been identified in 19/126716 European chromosomes by the Genome Aggregation Dat abase (gnomAD; dbSNP rs80224560). Although thi s variant has been seen in the general population, its frequency is low enough t o be consistent with a recessive carrier frequency. Moreover, the c.2657+5G>A va riant was classified as Pathogenic on March 3, 2004 by the American College of M edical Genetics and Genomics (ClinVar SCV000071401.2). In summary, the c.2657+5G >A variant meets criteria to be classified as pathogenic for CFTR-related disord ers, including cystic fibrosis, in an autosomal recessive manner based upon its frequency in affected individuals and functional evidence. ACMG/AMP Criteria app lied (Richards 2015): PS3, PS4.